The following is an entry in ClinVar:

NM_206933.4(USH2A):c.8426G>A (p.Ser2809Asn)

Gene: USH2A (usherin; minus strand). Cytogenetic location: 1q41.
Variant type: single nucleotide variant.
Coding change: c.8426G>A on transcript NM_206933.4 (MANE Select); coding-DNA position 8426, G replaced by A.
Protein change: p.Ser2809Asn; replaces serine 2809 with asparagine.
Molecular consequence: missense variant.
Genome position (GRCh38, 1-based): chr1:215,878,896, C>T on the plus strand (G>A on the coding strand, the complement: USH2A is on the minus strand). VCF-style: chr1-215878896-C-T. GRCh37 (hg19) VCF-style: chr1-216052238-C-T.
Other names: short protein forms S2809N.
Identifiers: ClinVar variation 5003539 (VCV005003539.1).

ClinVar aggregate classification (germline): Uncertain significance (1 of 4 stars; one submission).

Conditions:
USH2A-related disorder. Also called: USH2A-related disorders; USH2A-related condition. Identifiers: MedGen CN239332.

Submission:

Myriad Genetics, Inc.
Classification: Uncertain significance for USH2A-related disorder. Last evaluated: 2026-09-02. Review status: criteria provided, single submitter. Criteria: Myriad Autosomal Dominant, Autosomal Recessive and X-Linked Classification Criteria (2023). Collection method: clinical testing. Allele origin: unknown.
Comment: NM_206933.2(USH2A):c.8426G>A(S2809N) is a missense variant classified as a variant of uncertain significance in the context of USH2A-related disorders. S2809N has been observed in a case with relevant disease (PMID: 37734845). Relevant functional assessments of this variant are not available in the literature. S2809N has not been observed in referenced population frequency databases. In summary, there is insufficient evidence to classify NM_206933.2(USH2A):c.8426G>A(S2809N) as pathogenic or benign. Please note: this variant was assessed in the context of healthy population screening.

Literature cited by the submitters: PubMed 37734845.